The following is an entry in ClinVar:

ClinVar aggregate classification (germline): Benign/Likely benign. Review status: criteria provided, multiple submitters, no conflicts (2 of 4 stars). 4 submissions from 4 submitters: Benign (3); Likely benign (1). Last evaluated 2026-01-28.

Conditions:
Atransferrinemia. Also called: Familial hypotransferrinemia. Identifiers: Orphanet 1195, MedGen C0521802, MONDO:0008846, OMIM 209300, HP:0012239.

Allele frequency attached by ClinVar (database versions not stated): gnomAD exomes 0.00091; ExAC 0.00118; gnomAD 0.00299; ESP Exome Variant Server 0.00392; TOPMed 0.00404; 1000 Genomes Project 0.00439; 1000 Genomes Project 30x 0.00531.

Submissions (4):

Labcorp Genetics (formerly Invitae), Labcorp
Classification: Benign. Last evaluated: 2026-01-28. Review status: criteria provided, single submitter. Criteria: Invitae Variant Classification Sherloc (09022015). Collection method: clinical testing. Allele origin: germline.

Blueprint Genetics
Classification: Likely benign. Last evaluated: 2024-11-12. Review status: criteria provided, single submitter. Criteria: ACMG Guidelines, 2015. Collection method: clinical testing. Allele origin: germline.

Illumina Laboratory Services, Illumina
Classification: Benign for Atransferrinemia. Last evaluated: 2018-01-13. Review status: criteria provided, single submitter. Criteria: ICSL Variant Classification Criteria 13 December 2019. Collection method: clinical testing. Allele origin: germline.
Comment: This variant was observed in the ICSL laboratory as part of a predisposition screen in an ostensibly healthy population. It had not been previously curated by ICSL or reported in the Human Gene Mutation Database (HGMD: prior to June 1st, 2018), and was therefore a candidate for classification through an automated scoring system. Utilizing variant allele frequency, disease prevalence and penetrance estimates, and inheritance mode, an automated score was calculated to assess if this variant is too frequent to cause the disease. Based on the score and internal cut-off values, a variant classified as benign is not then subjected to further curation. The score for this variant resulted in a classification of benign for this disease.

Breakthrough Genomics
Classification: Benign. Review status: criteria provided, single submitter. Criteria: ACMG Guidelines, 2015. Collection method: not provided. Allele origin: germline. Inheritance: Autosomal recessive inheritance. Affected: yes.

NM_001063.4(TF):c.216+14G>C

Gene: TF (transferrin; plus strand). Cytogenetic location: 3q22.1.
Variant type: single nucleotide variant.
Coding change: c.216+14G>C on transcript NM_001063.4 (MANE Select); 14 bases into the intron after coding-DNA position 216, G replaced by C.
Molecular consequence: intron variant.
Genome position (GRCh38, 1-based): chr3:133,748,598, G>C. VCF-style: chr3-133748598-G-C. GRCh37 (hg19) VCF-style: chr3-133467442-G-C.
Other names: c.84+14G>C (NM_001354703.2); c.-166+2115G>C (NM_001354704.2).
Identifiers: ClinVar variation 343427 (VCV000343427.10), dbSNP rs114449208, ClinGen allele CA2624889.